The following is an entry in ClinVar:

NM_020366.4(RPGRIP1):c.2910_2911del (p.Ser970_Pro971insTer)

Gene: RPGRIP1 (RPGR interacting protein 1; plus strand). Cytogenetic location: 14q11.2.
Variant type: Microsatellite.
Coding change: c.2910_2911del on transcript NM_020366.4 (MANE Select); coding-DNA positions 2910 to 2911, 2 bases deleted (TC; older notation c.2910_2911delTC).
Protein change: p.Ser970_Pro971insTer.
Molecular consequence: frameshift variant.
Genome position (GRCh38, 1-based): chr14:21,328,438-21,328,439, TC deleted; deleting any 2 consecutive bases within chr14:21,328,436-21,328,439 gives the same sequence; the c. name uses the placement nearest the transcript's 3' end. VCF-style (leftmost placement, unchanged base first): chr14-21328435-ATC-A. GRCh37 (hg19) VCF-style: chr14-21796594-ATC-A.
Other names: c.888_889del, p.Ser296_Pro297insTer (NM_001377523.1, NM_001377950.1); c.1836_1837del, p.Ser612_Pro613insTer (NM_001377948.1); c.996_997del, p.Ser332_Pro333insTer (NM_001377949.1); c.390_391del, p.Ser130_Pro131insTer (NM_001377951.1).
Identifiers: ClinVar variation 2059081 (VCV002059081.4), dbSNP rs2502847733, ClinGen allele CA2580616549.

ClinVar aggregate classification (germline): Pathogenic (1 of 4 stars; one submission).

Conditions:
Leber congenital amaurosis 6 (LCA6). Identifiers: Orphanet 65, MedGen C1854260, MONDO:0013446, OMIM 613826.
Cone-rod dystrophy 13 (CORD13). Identifiers: Orphanet 1872, MedGen C2750720, MONDO:0011987, OMIM 608194.

Submission:

Labcorp Genetics (formerly Invitae), Labcorp
Classification: Pathogenic for Leber congenital amaurosis 6; Cone-rod dystrophy 13. Last evaluated: 2022-07-18. Review status: criteria provided, single submitter. Criteria: Invitae Variant Classification Sherloc (09022015). Collection method: clinical testing. Allele origin: germline.
Comment: For these reasons, this variant has been classified as Pathogenic. This variant has not been reported in the literature in individuals affected with RPGRIP1-related conditions. This variant is not present in population databases (gnomAD no frequency). This sequence change creates a premature translational stop signal (p.Pro971*) in the RPGRIP1 gene. It is expected to result in an absent or disrupted protein product. Loss-of-function variants in RPGRIP1 are known to be pathogenic (PMID: 11528500, 23105016).

Literature cited by the submitters: PubMed 11528500; PubMed 23105016.